The following is an entry in ClinVar:

ClinVar aggregate classification (germline): Uncertain significance. Review status: criteria provided, multiple submitters, no conflicts (2 of 4 stars). 3 submissions from 3 submitters: Uncertain significance (3). Last evaluated 2024-11-18.

Conditions:
Hypertrophic cardiomyopathy 1 (CMH1). Also called: Familial hypertrophic cardiomyopathy 1; MYH7-Related Familial Hypertrophic Cardiomyopathy. Identifiers: MedGen C3495498, MONDO:0008647, OMIM 192600.

Allele frequency attached by ClinVar (database versions not stated): ExAC 0.00001; gnomAD exomes 0.00001; TOPMed 0.00001.

Submissions (3):

Ambry Genetics
Classification: Uncertain significance. Last evaluated: 2024-11-18. Review status: criteria provided, single submitter. Criteria: Ambry Variant Classification Scheme 2023. Collection method: clinical testing. Allele origin: germline.
Comment: The p.R528W variant (also known as c.1582C>T), located in coding exon 11 of the MYLK2 gene, results from a C to T substitution at nucleotide position 1582. The arginine at codon 528 is replaced by tryptophan, an amino acid with dissimilar properties. This amino acid position is conserved. In addition, this alteration is predicted to be deleterious by in silico analysis. Based on the available evidence, the clinical significance of this variant remains unclear.

GeneDx
Classification: Uncertain significance. Last evaluated: 2023-02-21. Review status: criteria provided, single submitter. Criteria: GeneDx Variant Classification Process June 2021. Collection method: clinical testing. Allele origin: germline. Affected: yes.
Comment: Identified in association with HCM in published literature (Ingles et al., 2019); Not observed at significant frequency in large population cohorts (gnomAD); In silico analysis supports that this missense variant has a deleterious effect on protein structure/function; This variant is associated with the following publications: (PMID: 30681346)

Labcorp Genetics (formerly Invitae), Labcorp
Classification: Uncertain significance for Hypertrophic cardiomyopathy 1. Last evaluated: 2022-08-10. Review status: criteria provided, single submitter. Criteria: Invitae Variant Classification Sherloc (09022015). Collection method: clinical testing. Allele origin: germline.
Comment: Algorithms developed to predict the effect of missense changes on protein structure and function (SIFT, PolyPhen-2, Align-GVGD) all suggest that this variant is likely to be disruptive. In summary, the available evidence is currently insufficient to determine the role of this variant in disease. Therefore, it has been classified as a Variant of Uncertain Significance. ClinVar contains an entry for this variant (Variation ID: 222742). This sequence change replaces arginine, which is basic and polar, with tryptophan, which is neutral and slightly polar, at codon 528 of the MYLK2 protein (p.Arg528Trp). The frequency data for this variant in the population databases is considered unreliable, as metrics indicate poor data quality at this position in the gnomAD database. This variant has not been reported in the literature in individuals affected with MYLK2-related conditions.

NM_033118.4(MYLK2):c.1582C>T (p.Arg528Trp)

Gene: MYLK2 (myosin light chain kinase 2; plus strand). Cytogenetic location: 20q11.21.
Variant type: single nucleotide variant.
Coding change: c.1582C>T on transcript NM_033118.4 (MANE Select); coding-DNA position 1582, C replaced by T.
Protein change: p.Arg528Trp; replaces arginine 528 with tryptophan.
Molecular consequence: missense variant.
Genome position (GRCh38, 1-based): chr20:31,832,008, C>T. VCF-style: chr20-31832008-C-T. GRCh37 (hg19) VCF-style: chr20-30419811-C-T.
Other names: short protein forms R528W.
Identifiers: ClinVar variation 222742 (VCV000222742.8), dbSNP rs752617053, ClinGen allele CA079746.